The following is an entry in ClinVar:

ClinVar aggregate classification (germline): Pathogenic/Likely pathogenic. Review status: criteria provided, multiple submitters, no conflicts (2 of 4 stars). 2 submissions from 2 submitters: Pathogenic (1); Likely pathogenic (1). Last evaluated 2025-10-24.

Conditions:
Sjögren-Larsson syndrome (SLS). Also called: FALDH DEFICIENCY; FATTY ALCOHOL:NAD+ OXIDOREDUCTASE DEFICIENCY; FATTY ALDEHYDE DEHYDROGENASE DEFICIENCY; ICHTHYOSIS, SPASTIC NEUROLOGIC DISORDER, AND OLIGOPHRENIA. Identifiers: Orphanet 816, MedGen C0037231, MONDO:0010031, OMIM 270200.

Submissions (2):

Women's Health and Genetics/Laboratory Corporation of America, LabCorp
Classification: Pathogenic for Sjögren-Larsson syndrome. Last evaluated: 2025-10-24. Review status: criteria provided, single submitter. Criteria: LabCorp Variant Classification Summary - May 2015. Collection method: clinical testing. Allele origin: germline.
Comment: Variant summary: ALDH3A2 c.1198G>A (p.Gly400Arg) results in a non-conservative amino acid change in the encoded protein sequence. Algorithms developed to predict the effect of missense changes on protein structure and function all suggest that this variant is likely to be disruptive. The variant was absent in 251472 control chromosomes. c.1198G>A has been observed in multiple homozygous individuals affected with Sjogren-Larsson syndrome (e.g. Abel-Hamid_2019). These data indicate that the variant is very likely to be associated with disease. To our knowledge, no experimental evidence demonstrating an impact on protein function has been reported. The following publication has been ascertained in the context of this evaluation (PMID: 31273323). ClinVar contains an entry for this variant (Variation ID: 3336603). Based on the evidence outlined above, the variant was classified as pathogenic.

Genomics, Clalit Research Institute, Clalit Health Care
Classification: Likely pathogenic for Sjögren-Larsson syndrome. Last evaluated: 2024-08-06. Review status: criteria provided, single submitter. Criteria: ACMG Guidelines, 2015. Collection method: clinical testing. Allele origin: germline. Inheritance: Autosomal recessive inheritance. Affected: yes. Observed: 1 homozygote.
Comment: Inheritance: The variant was identified in the homozygous state in the sample. Frequency: The variant is absent from the gnomAD reference population dataset. Phenotype : The patient's phenotype or family history is highly compatible with the gene. Prediction tools: REVEL predicts a deleterious effect on the gene or gene product (score 0.91). Clinical evidence: To date, the variant has not been described by reputable sources in clinvar. Sources: This variant has been previously described in the literature; PMID: 31273323. PM2_P, PP3_M, PM3_M, PP4_P

Literature cited by the submitters: PubMed 31273323 (cited by Women's Health and Genetics/Laboratory Corporation of America, LabCorp).

NM_000382.3(ALDH3A2):c.1198G>A (p.Gly400Arg)

Gene: ALDH3A2 (aldehyde dehydrogenase 3 family member A2; plus strand). Cytogenetic location: 17p11.2.
Variant type: single nucleotide variant.
Coding change: c.1198G>A on transcript NM_000382.3 (MANE Select); coding-DNA position 1198, G replaced by A.
Protein change: p.Gly400Arg; replaces glycine 400 with arginine.
Molecular consequence: missense variant.
Genome position (GRCh38, 1-based): chr17:19,665,038, G>A. VCF-style: chr17-19665038-G-A. GRCh37 (hg19) VCF-style: chr17-19568351-G-A.
Other names: c.1198G>A, p.Gly400Arg (NM_001031806.2, NM_001369136.1, NM_001369137.2 and 3 more transcripts); c.619G>A, p.Gly207Arg (NM_001369148.2); short protein forms G207R, G400R.
Identifiers: ClinVar variation 3336603 (VCV003336603.3).